The following is an entry in ClinVar:

NM_001195263.2(PDZD7):c.2107del (p.Ser703fs)

Gene: PDZD7 (PDZ domain containing 7; minus strand). Cytogenetic location: 10q24.31.
Variant type: Deletion.
Coding change: c.2107del on transcript NM_001195263.2 (MANE Select); coding-DNA position 2107, one base deleted (A; older notation c.2107delA).
Protein change: p.Ser703fs; shifts the reading frame from serine 703.
Molecular consequence: frameshift variant.
Genome position (GRCh38, 1-based): chr10:101,010,782, T deleted on the plus strand (A on the coding strand, the reverse complement: PDZD7 is on the minus strand); the first of 2 consecutive T bases (chr10:101,010,782-101,010,783); deleting either gives the same sequence. VCF-style (leftmost placement, unchanged base first): chr10-101010781-CT-C. GRCh37 (hg19) VCF-style: chr10-102770538-CT-C.
Other names: c.2107del (NM_001195263.1); c.2107delA (NM_001195263.2); short protein forms S703fs.
Identifiers: ClinVar variation 44121 (VCV000044121.35), dbSNP rs397516633, ClinGen allele CA133622.
Genomic context (GRCh38, chr10:101,010,781, plus strand): 5'-TCTACTGGCACGTCTTGTAGAGGGGGGATCCCTTTATGGGGGTGGCGAGGGGCAGAGGCA[CT>C]TGGGGAGACCTTGAGGGCCCCCAGCCGCTCCCTCAGCTCCCCATTATCTTCCTCTTCCGG-3'

ClinVar aggregate classification (germline): Conflicting classifications of pathogenicity. Review status: criteria provided, conflicting classifications (1 of 4 stars). 13 submissions from 13 submitters: Pathogenic (9); Likely pathogenic (2); Uncertain significance (1). 1 of the submissions does not count toward it. Last evaluated 2026-08-06.

Conditions:
Hearing loss, autosomal recessive 57. Also called: DEAFNESS, AUTOSOMAL RECESSIVE 57. Identifiers: MedGen C4693893, MONDO:0033201, OMIM 618003.
PDZD7-related disorder. Also called: PDZD7-related disorders; PDZD7-related condition.
Usher syndrome type 2C. Also called: Usher syndrome, type 2B; USHER SYNDROME, TYPE IIC. Identifiers: Orphanet 231178, Orphanet 886, MedGen C2931213, MONDO:0011558, OMIM 605472.
Usher syndrome type 2A. Also called: RETINAL DISEASE IN USHER SYNDROME TYPE IIA, MODIFIER OF; USHER SYNDROME, TYPE IIA. Identifiers: Orphanet 231178, Orphanet 886, MedGen C1848634, MONDO:0010169, OMIM 276901.
Retinal dystrophy. Also called: Inherited retinal dystrophy. Identifiers: Orphanet 71862, MedGen C0854723, MeSH D058499, MONDO:0019118, HP:0000556.
Usher syndrome, type IIC, GPR98/PDZD7 digenic. Also called: Usher syndrome, type 2C, GPR98/PDZD7 digenic. Identifiers: MedGen C3148929.

Submissions (13):

OLLIN Analises Genomicas, OLLIN
Classification: Pathogenic for Usher syndrome type 2A. Last evaluated: 2026-08-06. Review status: criteria provided, single submitter. Criteria: ACMG Guidelines 2015 PMID 25741868. Collection method: clinical testing. Allele origin: germline.
Comment: This frameshift variant, located in exon 15 (of 17), has been reported in ClinVar (accession VCV000044121.33) and in gnomAD with an allele frequency of 0.045%. However, to our knowledge, it has not been reported in the scientific literature. This variant causes a frameshift and introduces a premature stop codon, which is predicted to result in either a truncated protein or degradation of the mRNA via nonsense-mediated decay (NMD). According to the currently available evidence, this variant has been classified as pathogenic (PVS1, PM2_P, PM3, PP1).

PreventionGenetics, part of Exact Sciences
Classification: Pathogenic for PDZD7-related condition. Last evaluated: 2026-07-27. Review status: criteria provided, single submitter. Criteria: ACMG Guidelines, 2015. Collection method: clinical testing. Allele origin: germline.
Comment: The PDZD7 c.2107delA variant is predicted to result in a frameshift and premature protein termination (p.Ser703Valfs*20). This variant has been reported as pathogenic in patients with non-syndromic hearing loss (Vona et al. 2016. PubMed ID: 26849169; Cruz Marino et al. 2021. PubMed ID: 34387732). This variant is reported in 0.060% of alleles in individuals of Latino descent in gnomAD. Frameshift variants in PDZD7 are expected to be pathogenic and this variant has been interpreted as pathogenic or likely pathogenic by multiple independent submitters to the ClinVar database (Variation ID: 44121). We interpret this variant as pathogenic.

Victorian Clinical Genetics Services, Murdoch Childrens Research Institute
Classification: Pathogenic for Hearing loss, autosomal recessive 57. Last evaluated: 2025-11-06. Review status: criteria provided, single submitter. Criteria: ACMG Guidelines, 2015. Collection method: clinical testing. Allele origin: germline. Affected: yes.
Comment: This variant is classified as Pathogenic. Evidence in support of pathogenic classification: Variant is predicted to cause nonsense-mediated decay (NMD) and loss of protein (premature termination codon is located at least 54 nucleotides upstream of the final exon-exon junction); Variant is present in gnomAD <0.01 for a recessive condition (v4: 685 heterozygote(s), 2 homozygote(s)); Other NMD-predicted variants comparable to the one identified in this case have very strong previous evidence for pathogenicity (DECIPHER). Additional information: This variant is heterozygous; This gene is associated with autosomal recessive disease; Loss of function is a known mechanism of disease in this gene and is associated with deafness, autosomal recessive 57 (MIM#618003); Inheritance information for this variant is not currently available in this individual.

Variantyx, Inc.
Classification: Pathogenic for Hearing loss, autosomal recessive 57. Last evaluated: 2025-07-31. Review status: criteria provided, single submitter. Criteria: Variantyx Assertion Criteria 2022. Collection method: clinical testing. Allele origin: germline. Inheritance: Autosomal recessive inheritance. Affected: no.
Comment: This is a frameshift variant in the PDZD7 gene (OMIM: 612971). Pathogenic variants in this gene have been associated with autosomal recessive deafness, 57. This variant introduces a premature termination codon in exon 15 out of 17 and is expected to result in loss of function, which is a known disease mechanism for PDZD7 in this disorder (PMID: 26849169) (PVS1). This variant has been reported in the homozygous or compound heterozygous state in at least 2 unrelated individuals with hearing loss (PMID: 26849169, 34387732) (PM3) and it has been observed to segregate with disease in at least one individual from a family (PMID: 34387732). This variant has a 0.0655% maximum allele frequency in non-founder control populations ((PM2). Based on the current evidence, this variant is classified as pathogenic for autosomal recessive deafness, 57.

Labcorp Genetics (formerly Invitae), Labcorp
Classification: Pathogenic. Last evaluated: 2025-01-22. Review status: criteria provided, single submitter. Criteria: Invitae Variant Classification Sherloc (09022015). Collection method: clinical testing. Allele origin: germline.
Comment: This sequence change creates a premature translational stop signal (p.Ser703Valfs*20) in the PDZD7 gene. It is expected to result in an absent or disrupted protein product. Loss-of-function variants in PDZD7 are known to be pathogenic (PMID: 20440071). This variant is present in population databases (rs397516633, gnomAD 0.06%). This premature translational stop signal has been observed in individual(s) with non-syndromic hearing loss (PMID: 26849169). ClinVar contains an entry for this variant (Variation ID: 44121). For these reasons, this variant has been classified as Pathogenic.

Blueprint Genetics
Classification: Pathogenic for PDZD7-related disorders. Last evaluated: 2024-09-02. Review status: criteria provided, single submitter. Criteria: ACMG Guidelines, 2015. Collection method: clinical testing. Allele origin: germline. Affected: yes. Observed: 5 variant alleles.

GeneDx
Classification: Pathogenic. Last evaluated: 2023-11-29. Review status: criteria provided, single submitter. Criteria: GeneDx Variant Classification Process June 2021. Collection method: clinical testing. Allele origin: germline. Affected: yes.
Comment: Frameshift variant predicted to result in protein truncation or nonsense mediated decay in a gene for which loss-of-function is a known mechanism of disease; This variant is associated with the following publications: (PMID: 20440071, 29048736, 26849169, 31454969, 34387732, 34948090, 36147510)

Laboratory for Molecular Medicine, Mass General Brigham Personalized Medicine
Classification: Uncertain significance. Last evaluated: 2023-02-02. Review status: criteria provided, single submitter. Criteria: ACMG Guidelines, 2015. Collection method: clinical testing. Allele origin: germline.
Comment: The Ser703fs variant in PDZD7 is a frameshift variant that is predicted to alter the protein’s amino acid sequence beginning at position 703 and lead to a premature termination codon 20 amino acids downstream. This alteration is then predicted to lead to a truncated or absent protein. However, this variant has been reported in 0.7% (3/405) of healthy controls (Ebermann 2010), suggesting it is more likely benign, though this frequency is not high enough to rule out a pathogenic role. The variant occurs in exon 15 which is only present in an alternate longer transcript of PDZD7, with the major transcript only encoding 10 exons. Therefore, the impact of the truncated protein on biological function is unknown. Furthermore, there is inconclusive evidence as to the role of the PDZD7 gene in hearing loss or Usher syndrome. No biallelic mutations have been found in Usher patients to date despite screening in 205 cases (Ebermann 2010, Besnard 2012). Instead, there is one case report suggesting PDZD7 may be a modifier of the severity of Usher syndrome (Ebermann 2010). In addition, there is a second case report suggesting PDZD7 could cause nonsyndromic hearing loss based upon a patient with a homozygous translocation that disrupts the long alternate isoform of PDZD7 (Schneider 2009). In summary, additional data is needed to determine the clinical significance of this variant; however, based upon identification in 0.7% of controls we would lean towards a more likely benign interpretation. In addition, even if this variant was found to be disruptive to gene function and even if gene disruption was found to be linked to hearing loss or Usher syndrome, inheritance would most likely be recessive and there is currently no evidence of a pathogenic mutation on the second allele of the gene in this patient.

Fulgent Genetics
Classification: Likely pathogenic for Usher syndrome type 2A; Usher syndrome type 2C; Hearing loss, autosomal recessive 57. Last evaluated: 2022-03-28. Review status: criteria provided, single submitter. Criteria: ACMG Guidelines, 2015. Collection method: clinical testing. Allele origin: unknown.

Dasa
Classification: Pathogenic for Usher syndrome, type IIC, GPR98/PDZD7 digenic. Last evaluated: 2022-03-05. Review status: criteria provided, single submitter. Criteria: ACMG Guidelines, 2015. Collection method: clinical testing. Allele origin: germline. Affected: yes. Observed: 1 variant allele.
Comment: The c.2107delA;p.(Ser703Valfs*20) is a null frameshift variant (NMD) in the PDZD7 gene and predicts alteration of the nonsense-mediate decay - NMD is present in a relevant exon to the transcript - PVS1. This sequence change has been observed in affected individual(s) and ClinVar contains an entry for this variant (ClinVar ID: 44121; PMID: 26849169; PMID: 20440071) - PS4. The variant is present at low allele frequencies population databases (rs397516633 – gnomAD 0.003017%; ABraOM 0.001281 frequency) - PM2_supporting. The p.(Ser703Valfs*20) was detected in trans with a pathogenic variant (PMID: 26849169) and was detected in a homozygous state in the analyzed sample - PM3. The variant co-segregated with disease in multiple affected family members (PMID: 26849169) - PP1. In summary, the currently available evidence indicates that the variant is pathogenic.

Institute of Human Genetics, Univ. Regensburg, Univ. Regensburg
Classification: Pathogenic for Retinal dystrophy. Last evaluated: 2022-01-01. Review status: criteria provided, single submitter. Criteria: ACMG Guidelines, 2015. Collection method: clinical testing. Allele origin: germline. Affected: yes.

UNC Molecular Genetics  Laboratory, University of North Carolina at Chapel Hill
Classification: Likely pathogenic for DEAFNESS, AUTOSOMAL RECESSIVE 57. Review status: criteria provided, single submitter. Criteria: ACMG Guidelines, 2015. Collection method: research. Allele origin: germline. Observed: 1 variant allele. Study: CSER_NCGENES_2.
Comment: The PDZD7 c.2107delA [p.S703fs] frameshift variant is predicted to result in premature truncation and/or absence of the PDZD7 protein and has previously been reported in prelingual, non-syndromic autosomal recessive hearing loss (PMID: 26849169).

OMIM
Classification: Pathogenic for DEAFNESS, AUTOSOMAL RECESSIVE 57. Last evaluated: 2018-06-04. Review status: no assertion criteria provided. Collection method: literature only. Allele origin: germline. Not counted in ClinVar's aggregate classification.

Literature cited by the submitters: PubMed 20440071 (cited by 4 submitters); PubMed 26849169 (cited by 7 submitters); PubMed 34387732 (cited by Institute of Human Genetics, Univ. Regensburg, Univ. Regensburg); PubMed 34948090 (cited by Institute of Human Genetics, Univ. Regensburg, Univ. Regensburg); PubMed 36147510 (cited by Institute of Human Genetics, Univ. Regensburg, Univ. Regensburg).